The following is an entry in ClinVar:

NM_001113491.2(SEPTIN9):c.192G>C (p.Gln64His)

Gene: SEPTIN9 (septin 9; plus strand). Cytogenetic location: 17q25.3.
Variant type: single nucleotide variant.
Coding change: c.192G>C on transcript NM_001113491.2 (MANE Select); coding-DNA position 192, G replaced by C.
Protein change: p.Gln64His; replaces glutamine 64 with histidine.
Molecular consequence: missense variant. On other transcripts: 5 prime UTR variant (2).
Genome position (GRCh38, 1-based): chr17:77,402,174, G>C. VCF-style: chr17-77402174-G-C. GRCh37 (hg19) VCF-style: chr17-75398256-G-C.
Other names: c.-301G>C (NM_001113492.2, NM_001113494.1); c.171G>C, p.Gln57His (NM_001113493.2); c.135G>C, p.Gln45His (NM_001293695.2); c.138G>C, p.Gln46His (NM_006640.5); short protein forms Q46H, Q57H, Q64H, Q45H.
Identifiers: ClinVar variation 3630470 (VCV003630470.2).

ClinVar aggregate classification (germline): Uncertain significance (1 of 4 stars; one submission).

gnomAD v4.1: 1 of 1,613,830 alleles (0.000062%); highest among the groups gnomAD compares: Non-Finnish European, 0.000085%; no homozygotes.

Submission:

Labcorp Genetics (formerly Invitae), Labcorp
Classification: Uncertain significance. Last evaluated: 2024-09-24. Review status: criteria provided, single submitter. Criteria: Invitae Variant Classification Sherloc (09022015). Collection method: clinical testing. Allele origin: germline.
Comment: This sequence change replaces glutamine, which is neutral and polar, with histidine, which is basic and polar, at codon 46 of the SEPT9 protein (p.Gln46His). This variant is not present in population databases (gnomAD no frequency). This variant has not been reported in the literature in individuals affected with SEPT9-related conditions. Invitae Evidence Modeling of protein sequence and biophysical properties (such as structural, functional, and spatial information, amino acid conservation, physicochemical variation, residue mobility, and thermodynamic stability) indicates that this missense variant is not expected to disrupt SEPT9 protein function with a negative predictive value of 80%. In summary, the available evidence is currently insufficient to determine the role of this variant in disease. Therefore, it has been classified as a Variant of Uncertain Significance.